The following is an entry in ClinVar:

NM_001903.5(CTNNA1):c.177T>C (p.His59=)

Gene: CTNNA1 (catenin alpha 1; plus strand). Cytogenetic location: 5q31.2.
Variant type: single nucleotide variant.
Coding change: c.177T>C on transcript NM_001903.5 (MANE Select); coding-DNA position 177, T replaced by C.
Protein change: p.His59=; no amino-acid change (histidine 59 retained).
Molecular consequence: synonymous variant. On other transcripts: 5 prime UTR variant (1), intron variant (1).
Genome position (GRCh38, 1-based): chr5:138,783,248, T>C. VCF-style: chr5-138783248-T-C. GRCh37 (hg19) VCF-style: chr5-138118937-T-C.
Other names: c.177T>C, p.His59= (NM_001290307.3, NM_001323982.2, NM_001323983.1 and 3 more transcripts); c.-30T>C (NM_001290310.3); c.-9+1219T>C (NM_001290309.3); c.177T>C (NM_001903.2).
Identifiers: ClinVar variation 1119443 (VCV001119443.11), dbSNP rs2149656401, ClinGen allele CA446725100.
Genomic context (GRCh38, chr5:138,783,248, plus strand): 5'-TGTAAACACCAATAGTAAAGGGCCCTCTAATAAGAAGAGAGGTCGTTCTAAGAAGGCCCA[T>C]GTTTTGGCTGCATCTGTTGAACAAGCAACTGAGAATTTCTTGGAGAAGGGGGATAAAATT-3'
Protein context (NP_001894.2, residues 49-69): NKKRGRSKKA[His59=]VLAASVEQAT

ClinVar aggregate classification (germline): Benign/Likely benign. Review status: criteria provided, multiple submitters, no conflicts (2 of 4 stars). 3 submissions from 3 submitters: Benign (1); Likely benign (2). Last evaluated 2025-06-10.

Conditions:
Hereditary cancer-predisposing syndrome. Also called: Neoplastic Syndromes, Hereditary; Hereditary Cancer Syndrome; Hereditary neoplastic syndrome; Tumor predisposition. Identifiers: Orphanet 140162, MedGen C0027672, MeSH D009386, MONDO:0015356.
Hereditary diffuse gastric adenocarcinoma (HDGC). Also called: DIFFUSE GASTRIC AND LOBULAR BREAST CANCER SYNDROME. Identifiers: Orphanet 26106, MedGen C1708349, MONDO:0007648, OMIM 137215.

Submissions (3):

Ambry Genetics
Classification: Likely benign for Hereditary cancer-predisposing syndrome. Last evaluated: 2025-06-10. Review status: criteria provided, single submitter. Criteria: Ambry Variant Classification Scheme 2023. Collection method: clinical testing. Allele origin: germline.

Myriad Genetics, Inc.
Classification: Benign for Hereditary diffuse gastric adenocarcinoma. Last evaluated: 2024-10-09. Review status: criteria provided, single submitter. Criteria: Myriad Autosomal Dominant, Autosomal Recessive and X-Linked Classification Criteria (2023). Collection method: clinical testing. Allele origin: unknown.
Comment: This variant is considered benign. This variant is a silent/synonymous amino acid change and it is not expected to impact splicing.

Labcorp Genetics (formerly Invitae), Labcorp
Classification: Likely benign. Last evaluated: 2019-04-19. Review status: criteria provided, single submitter. Criteria: Invitae Variant Classification Sherloc (09022015). Collection method: clinical testing. Allele origin: germline.